The following is an entry in ClinVar:

NM_001323289.2(CDKL5):c.1039C>T (p.Gln347Ter)

Gene: CDKL5 (cyclin dependent kinase like 5; plus strand). Cytogenetic location: Xp22.13.
Variant type: single nucleotide variant.
Coding change: c.1039C>T on transcript NM_001323289.2 (MANE Select); coding-DNA position 1039, C replaced by T.
Protein change: p.Gln347Ter; replaces glutamine 347 with a stop codon.
Molecular consequence: nonsense.
Genome position (GRCh38, 1-based): chrX:18,603,963, C>T. VCF-style: chrX-18603963-C-T. GRCh37 (hg19) VCF-style: chrX-18622083-C-T.
Other names: NM_001323289.2(CDKL5):c.1039C>T; p.Gln347Ter; c.1039C>T, p.Gln347Ter (NM_001037343.2, NM_003159.3); short protein forms Q347*.
Identifiers: ClinVar variation 143767 (VCV000143767.6), dbSNP rs267608561, ClinGen allele CA170434.

ClinVar aggregate classification (germline): Pathogenic. Review status: criteria provided, multiple submitters, no conflicts (2 of 4 stars). 4 submissions from 4 submitters: Pathogenic (3). 1 of the submissions does not count toward it. Last evaluated 2025-11-05.

Conditions:
CDKL5 disorder. Identifiers: MedGen CN296942, MONDO:0100039.
Developmental and epileptic encephalopathy, 2 (DEE2). Also called: INFANTILE SPASM SYNDROME, X-LINKED 2; CDKL5 deficiency disorder. Identifiers: Orphanet 1934, Orphanet 3451, Orphanet 505652, MedGen C4750718, MONDO:0010396, OMIM 300672.
CDKL5-related disorder.

Submissions (4):

PreventionGenetics, part of Exact Sciences
Classification: Pathogenic for CDKL5-related condition. Last evaluated: 2025-11-05. Review status: criteria provided, single submitter. Criteria: ACMG Guidelines, 2015. Collection method: clinical testing. Allele origin: germline.
Comment: The CDKL5 c.1039C>T variant is predicted to result in premature protein termination (p.Gln347*). This variant has been reported in at least two individuals with epileptic encephalopathy (Artuso et al. 2010. PubMed ID: 19362436; Liang et al. 2011. PubMed ID: 21770923). This variant has not been reported in a large population database (gnomAD), indicating this variant is rare. This variant is interpreted as pathogenic in ClinVar (Variation ID: 143767). Nonsense variants in CDKL5 are expected to be pathogenic. This variant is interpreted as pathogenic.

3billion
Classification: Pathogenic for Developmental and epileptic encephalopathy, 2. Last evaluated: 2025-10-15. Review status: criteria provided, single submitter. Criteria: ACMG Guidelines, 2015. Collection method: clinical testing. Allele origin: germline. Affected: yes.
Comment: The variant is not observed in the gnomAD v4.1.0 dataset. Predicted Consequence/Location: Stop-gained (nonsense): predicted to result in a loss or disruption of normal protein function through nonsense-mediated decay (NMD) or protein truncation. Multiple pathogenic variants are reported downstream of the variant. The variant has been reported to be associated with CDKL5-related disorder (ClinVar ID: VCV000143767 /PMID: 19362436). Therefore, this variant is classified as Pathogenic according to the recommendation of ACMG/AMP guideline.

Centre for Population Genomics, CPG
Classification: Pathogenic for CDKL5 disorder. Last evaluated: 2024-08-21. Review status: criteria provided, single submitter. Criteria: McKnight et al. (Hum Mutat. 2022). Collection method: curation. Allele origin: germline. Inheritance: X-linked inheritance.
Comment: This variant has been collected from RettBASE and curated to current modified ACMG/AMP criteria. Based on the classification scheme defined by the ClinGen Rett/Angelman-like Expert Panel for Rett/AS-like Disorders Specifications to the ACMG/AMP Variant Interpretation Guidelines VCEP 3.0, this variant is classified as pathogenic. At least the following criteria are met: Predicted to result in loss of function, and LOF is a known mechanism of disease (PVS1). This variant is absent from gnomAD v4 (PM2_Supporting). Has been observed in at least 2 individuals with phenotypes consistent with CDKL5 disorder (PS4_Supporting). PMID:25657822 PMID:21770923 PMID: 21770923.

RettBASE
Classification: Pathogenic for Epileptic encephalopathy, early infantile, 2. Last evaluated: 2014-03-13. Review status: no assertion criteria provided. Collection method: curation. Allele origin: unknown. Affected: yes. Observed: 1 variant allele. Not counted in ClinVar's aggregate classification.

Literature cited by the submitters: PubMed 19362436 (cited by 3billion); PubMed 21770923 (cited by RettBASE).